The following is an entry in ClinVar:

ClinVar aggregate classification (germline): Uncertain significance (1 of 4 stars; one submission).

Conditions:
CHARGE syndrome (CHARGE). Also called: Hittner Hirsch Kreh syndrome; CHARGE ASSOCIATION--COLOBOMA, HEART ANOMALY, CHOANAL ATRESIA, RETARDATION, GENITAL AND EAR ANOMALIES; Coloboma, heart anomaly, choanal atresia, retardation, genital and ear anomalies; CHARGE association; Hall-Hittner syndrome. Identifiers: Orphanet 138, MedGen C0265354, MONDO:0008965.

Submission:

Labcorp Genetics (formerly Invitae), Labcorp
Classification: Uncertain significance for CHARGE syndrome. Last evaluated: 2023-01-10. Review status: criteria provided, single submitter. Criteria: Invitae Variant Classification Sherloc (09022015). Collection method: clinical testing. Allele origin: germline.
Comment: In summary, the available evidence is currently insufficient to determine the role of this variant in disease. Therefore, it has been classified as a Variant of Uncertain Significance. Advanced modeling of protein sequence and biophysical properties (such as structural, functional, and spatial information, amino acid conservation, physicochemical variation, residue mobility, and thermodynamic stability) performed at Invitae indicates that this missense variant is not expected to disrupt CHD7 protein function. This variant has not been reported in the literature in individuals affected with CHD7-related conditions. This variant is not present in population databases (gnomAD no frequency). This sequence change replaces aspartic acid, which is acidic and polar, with asparagine, which is neutral and polar, at codon 2940 of the CHD7 protein (p.Asp2940Asn).

NM_017780.4(CHD7):c.8818G>A (p.Asp2940Asn)

Gene: CHD7 (chromodomain helicase DNA binding protein 7; plus strand). Cytogenetic location: 8q12.2.
Variant type: single nucleotide variant.
Coding change: c.8818G>A on transcript NM_017780.4 (MANE Select); coding-DNA position 8818, G replaced by A.
Protein change: p.Asp2940Asn; replaces aspartic acid 2940 with asparagine.
Molecular consequence: missense variant.
Genome position (GRCh38, 1-based): chr8:60,865,757, G>A. VCF-style: chr8-60865757-G-A. GRCh37 (hg19) VCF-style: chr8-61778316-G-A.
Other names: c.2671G>A, p.Asp891Asn (NM_001316690.1); short protein forms D2940N, D891N.
Identifiers: ClinVar variation 2918737 (VCV002918737.3), dbSNP rs2488153204, ClinGen allele CA371312210.